The following is an entry in ClinVar:

NM_004793.4(LONP1):c.1558T>A (p.Cys520Ser)

Gene: LONP1 (lon peptidase 1, mitochondrial; minus strand). Cytogenetic location: 19p13.3.
Variant type: single nucleotide variant.
Coding change: c.1558T>A on transcript NM_004793.4 (MANE Select); coding-DNA position 1558, T replaced by A.
Protein change: p.Cys520Ser; replaces cysteine 520 with serine.
Molecular consequence: missense variant. On other transcripts: non-coding transcript variant (1).
Genome position (GRCh38, 1-based): chr19:5,699,154, A>T on the plus strand (T>A on the coding strand, the complement: LONP1 is on the minus strand). VCF-style: chr19-5699154-A-T. GRCh37 (hg19) VCF-style: chr19-5699165-A-T.
Other names: c.1366T>A, p.Cys456Ser (NM_001276479.2); c.970T>A, p.Cys324Ser (NM_001276480.1); short protein forms C456S, C324S, C520S.
Identifiers: ClinVar variation 3643783 (VCV003643783.2).

ClinVar aggregate classification (germline): Uncertain significance (1 of 4 stars; one submission).

gnomAD v4.1: 16 of 1,553,910 alleles (0.001%); highest among the groups gnomAD compares: Non-Finnish European, 0.0013%; no homozygotes.

Submission:

Labcorp Genetics (formerly Invitae), Labcorp
Classification: Uncertain significance. Last evaluated: 2024-03-12. Review status: criteria provided, single submitter. Criteria: Invitae Variant Classification Sherloc (09022015). Collection method: clinical testing. Allele origin: germline.
Comment: This sequence change replaces cysteine, which is neutral and slightly polar, with serine, which is neutral and polar, at codon 520 of the LONP1 protein (p.Cys520Ser). The frequency data for this variant in the population databases is considered unreliable, as metrics indicate poor data quality at this position in the gnomAD database. This variant has not been reported in the literature in individuals affected with LONP1-related conditions. Advanced modeling of protein sequence and biophysical properties (such as structural, functional, and spatial information, amino acid conservation, physicochemical variation, residue mobility, and thermodynamic stability) has been performed at Invitae for this missense variant, however the output from this modeling did not meet the statistical confidence thresholds required to predict the impact of this variant on LONP1 protein function. In summary, the available evidence is currently insufficient to determine the role of this variant in disease. Therefore, it has been classified as a Variant of Uncertain Significance.